The following is an entry in ClinVar:

ClinVar aggregate classification (germline): Likely benign (1 of 4 stars; one submission).

Conditions:
Disorders of Intracellular Cobalamin Metabolism. Identifiers: MedGen CN043592.

Allele frequency attached by ClinVar (database versions not stated): gnomAD exomes 0.00005; gnomAD 0.00302 and 0.00317; 1000 Genomes Project 0.00319; TOPMed 0.00335; 1000 Genomes Project 30x 0.00406.

Submission:

Illumina Laboratory Services, Illumina
Classification: Likely benign for Disorders of Intracellular Cobalamin Metabolism. Last evaluated: 2018-01-13. Review status: criteria provided, single submitter. Criteria: ICSL Variant Classification Criteria 13 December 2019. Collection method: clinical testing. Allele origin: germline.
Comment: This variant was observed in the ICSL laboratory as part of a predisposition screen in an ostensibly healthy population. It had not been previously curated by ICSL or reported in the Human Gene Mutation Database (HGMD: prior to June 1st, 2018), and was therefore a candidate for classification through an automated scoring system. Utilizing variant allele frequency, disease prevalence and penetrance estimates, and inheritance mode, an automated score was calculated to assess if this variant is too frequent to cause the disease. Based on the score and internal cut-off values, a variant classified as likely benign is not then subjected to further curation. The score for this variant resulted in a classification of likely benign for this disease.

NM_000254.3(MTR):c.*465T>A

Gene: MTR (5-methyltetrahydrofolate-homocysteine methyltransferase; plus strand). Cytogenetic location: 1q43.
Variant type: single nucleotide variant.
Coding change: c.*465T>A on transcript NM_000254.3 (MANE Select); 465 bases downstream of the stop codon, T replaced by A.
Molecular consequence: 3 prime UTR variant.
Genome position (GRCh38, 1-based): chr1:236,898,109, T>A. VCF-style: chr1-236898109-T-A. GRCh37 (hg19) VCF-style: chr1-237061409-T-A.
Other names: c.*465T>A (NM_001291939.1, NM_001291940.2).
Identifiers: ClinVar variation 296591 (VCV000296591.5), dbSNP rs114724980, ClinGen allele CA10609476.